The following is an entry in ClinVar:

ClinVar aggregate classification (germline): Benign/Likely benign. Review status: criteria provided, multiple submitters, no conflicts (2 of 4 stars). 5 submissions from 5 submitters: Benign (1); Likely benign (3). 1 of the submissions does not count toward it. Last evaluated 2026-02-03.

Conditions:
GATA5-related disorder. Also called: GATA5-related condition.

Allele frequency attached by ClinVar (database versions not stated): gnomAD exomes 0.00007 and 0.00173; gnomAD 0.00088 and 0.00089; 1000 Genomes Project 30x 0.00312; 1000 Genomes Project 0.00339; ExAC 0.01230.
gnomAD v4.1: 222 of 1,250,262 alleles (0.018%); highest among the groups gnomAD compares: African/African-American, 0.31%; no homozygotes.

Submissions (5):

Labcorp Genetics (formerly Invitae), Labcorp
Classification: Benign. Last evaluated: 2026-02-03. Review status: criteria provided, single submitter. Criteria: Invitae Variant Classification Sherloc (09022015). Collection method: clinical testing. Allele origin: germline.

Blueprint Genetics
Classification: Likely benign. Last evaluated: 2021-12-17. Review status: criteria provided, single submitter. Criteria: ACMG Guidelines, 2015. Collection method: clinical testing. Allele origin: germline.

GeneDx
Classification: Likely benign. Last evaluated: 2020-12-07. Review status: criteria provided, single submitter. Criteria: GeneDx Variant Classification Process June 2021. Collection method: clinical testing. Allele origin: germline. Affected: yes.

Breakthrough Genomics
Classification: Likely benign. Review status: criteria provided, single submitter. Criteria: ACMG Guidelines, 2015. Collection method: not provided. Allele origin: germline. Inheritance: Autosomal dominant inheritance. Affected: yes.

PreventionGenetics, part of Exact Sciences
Classification: Likely benign for GATA5-related condition. Last evaluated: 2020-01-24. Review status: no assertion criteria provided. Collection method: clinical testing. Allele origin: germline. Not counted in ClinVar's aggregate classification.
Comment: This variant is classified as likely benign based on ACMG/AMP sequence variant interpretation guidelines (Richards et al. 2015 PMID: 25741868, with internal and published modifications).

NM_080473.5(GATA5):c.306C>T (p.Pro102=)

Gene: GATA5 (GATA binding protein 5; minus strand). Cytogenetic location: 20q13.33.
Variant type: single nucleotide variant.
Coding change: c.306C>T on transcript NM_080473.5 (MANE Select); coding-DNA position 306, C replaced by T.
Protein change: p.Pro102=; no amino-acid change (proline 102 retained).
Molecular consequence: synonymous variant.
Genome position (GRCh38, 1-based): chr20:62,475,216, G>A on the plus strand (C>T on the coding strand, the complement: GATA5 is on the minus strand). VCF-style: chr20-62475216-G-A. GRCh37 (hg19) VCF-style: chr20-61050272-G-A.
Identifiers: ClinVar variation 1200412 (VCV001200412.15), dbSNP rs539125153, ClinGen allele CA9946325.